The following is an entry in ClinVar:

ClinVar aggregate classification (germline): Uncertain significance (1 of 4 stars; one submission).

Allele frequency attached by ClinVar (database versions not stated): gnomAD exomes below 0.00001; TOPMed below 0.00001; gnomAD 0.00001.
gnomAD v4.1: 2 of 1,614,074 alleles (0.00012%); highest among the groups gnomAD compares: Non-Finnish European, 0.00017%; no homozygotes.

Submission:

Labcorp Genetics (formerly Invitae), Labcorp
Classification: Uncertain significance. Last evaluated: 2020-03-26. Review status: criteria provided, single submitter. Criteria: Invitae Variant Classification Sherloc (09022015). Collection method: clinical testing. Allele origin: germline.
Comment: In summary, the available evidence is currently insufficient to determine the role of this variant in disease. Therefore, it has been classified as a Variant of Uncertain Significance. Algorithms developed to predict the effect of missense changes on protein structure and function are either unavailable or do not agree on the potential impact of this missense change (SIFT: "Deleterious"; PolyPhen-2: "Possibly Damaging"; Align-GVGD: "Class C0"). This variant has not been reported in the literature in individuals with KCNV2-related conditions. This variant is not present in population databases (ExAC no frequency). This sequence change replaces serine with alanine at codon 32 of the KCNV2 protein (p.Ser32Ala). The serine residue is moderately conserved and there is a moderate physicochemical difference between serine and alanine.

NM_133497.4(KCNV2):c.94T>G (p.Ser32Ala)

Gene: KCNV2 (potassium voltage-gated channel modifier subfamily V member 2; plus strand). Cytogenetic location: 9p24.2.
Variant type: single nucleotide variant.
Coding change: c.94T>G on transcript NM_133497.4 (MANE Select); coding-DNA position 94, T replaced by G.
Protein change: p.Ser32Ala; replaces serine 32 with alanine.
Molecular consequence: missense variant.
Genome position (GRCh38, 1-based): chr9:2,717,833, T>G. VCF-style: chr9-2717833-T-G. GRCh37 (hg19) VCF-style: chr9-2717833-T-G.
Other names: short protein forms S32A.
Identifiers: ClinVar variation 1061790 (VCV001061790.8), dbSNP rs1202370414, ClinGen allele CA372795700.